The following is an entry in ClinVar:

NM_000512.5(GALNS):c.320-342G>A

Gene: GALNS (galactosamine (N-acetyl)-6-sulfatase; minus strand). Cytogenetic location: 16q24.3.
Variant type: single nucleotide variant.
Coding change: c.320-342G>A on transcript NM_000512.5 (MANE Select); 342 bases into the intron before coding-DNA position 320, G replaced by A.
Molecular consequence: intron variant.
Genome position (GRCh38, 1-based): chr16:88,841,436, C>T on the plus strand (G>A on the coding strand, the complement: GALNS is on the minus strand). VCF-style: chr16-88841436-C-T. GRCh37 (hg19) VCF-style: chr16-88907844-C-T.
Other names: c.-236-342G>A (NM_001323543.2); c.338-342G>A (NM_001323544.2).
Identifiers: ClinVar variation 673941 (VCV000673941.1), dbSNP rs78178561, ClinGen allele CA14258017.
Genomic context (GRCh38, chr16:88,841,436, plus strand): 5'-CCCTGCCTCTCAGGCCAGCCTCCCACCTGCCTGGTCTCCAGGGGTCTCTGGAATATGCCA[C>T]GTGATGCTGCACTGCCCCACCCCTGCCTCCCCCGTCCTTCCCTTTCCTCAAATGCCACTG-3'

ClinVar aggregate classification (germline): Benign (1 of 4 stars; one submission).

Allele frequency attached by ClinVar (database versions not stated): 1000 Genomes Project 30x 0.04700; 1000 Genomes Project 0.05152; TOPMed 0.05551; gnomAD 0.05788 and 0.05953.
gnomAD v4.1: 9,071 of 152,234 alleles (6%); highest among the groups gnomAD compares: Middle Eastern, 16%; 341 homozygotes.

Submission:

GeneDx
Classification: Benign. Last evaluated: 2018-06-18. Review status: criteria provided, single submitter. Criteria: GeneDx Variant Classification (06012015). Collection method: clinical testing. Allele origin: germline. Affected: yes.
Comment: This variant is considered likely benign or benign based on one or more of the following criteria: it is a conservative change, it occurs at a poorly conserved position in the protein, it is predicted to be benign by multiple in silico algorithms, and/or has population frequency not consistent with disease.